The following is an entry in ClinVar:

NM_014669.5(NUP93):c.949C>T (p.Pro317Ser)

Gene: NUP93 (nucleoporin 93; plus strand). Cytogenetic location: 16q13.
Variant type: single nucleotide variant.
Coding change: c.949C>T on transcript NM_014669.5 (MANE Select); coding-DNA position 949, C replaced by T.
Protein change: p.Pro317Ser; replaces proline 317 with serine.
Molecular consequence: missense variant.
Genome position (GRCh38, 1-based): chr16:56,830,549, C>T. VCF-style: chr16-56830549-C-T. GRCh37 (hg19) VCF-style: chr16-56864461-C-T.
Other names: c.580C>T, p.Pro194Ser (NM_001242795.2, NM_001242796.2); short protein forms P194S, P317S.
Identifiers: ClinVar variation 4292918 (VCV004292918.1).

ClinVar aggregate classification (germline): Uncertain significance (1 of 4 stars; one submission).

Conditions:
Nephrotic syndrome, type 12 (NPHS12). Identifiers: Orphanet 656, MedGen C4225166, MONDO:0014817, OMIM 616892.

Submission:

3billion
Classification: Uncertain significance for Nephrotic syndrome, type 12. Last evaluated: 2024-06-23. Review status: criteria provided, single submitter. Criteria: ACMG Guidelines, 2015. Collection method: clinical testing. Allele origin: germline. Affected: yes.
Comment: The variant is not observed in the gnomAD v4.0.0 dataset. Predicted Consequence/Location: Missense variant In silico tool predictions suggest damaging effect of the variant on gene or gene product [3Cnet: 0.72 (>=0.6, sensitivity 0.72 and precision 0.9)]. Therefore, this variant is classified as VUS according to the recommendation of ACMG/AMP guideline.